The following is an entry in ClinVar:

NM_004006.3(DMD):c.6574T>G (p.Trp2192Gly)

Gene: DMD (dystrophin; minus strand). Cytogenetic location: Xp21.1.
Variant type: single nucleotide variant.
Coding change: c.6574T>G on transcript NM_004006.3 (MANE Select); coding-DNA position 6574, T replaced by G.
Protein change: p.Trp2192Gly; replaces tryptophan 2192 with glycine.
Molecular consequence: missense variant. On other transcripts: 5 prime UTR variant (5).
Genome position (GRCh38, 1-based): chrX:31,968,379, A>C on the plus strand (T>G on the coding strand, the complement: DMD is on the minus strand). VCF-style: chrX-31968379-A-C. GRCh37 (hg19) VCF-style: chrX-31986496-A-C.
Other names: c.6550T>G, p.Trp2184Gly (NM_000109.4); c.6562T>G, p.Trp2188Gly (NM_004009.3); c.6205T>G, p.Trp2069Gly (NM_004010.3); c.2551T>G, p.Trp851Gly (NM_004011.4); c.2542T>G, p.Trp848Gly (NM_004012.4); c.-807T>G (NM_004013.3, NM_004020.4, NM_004021.3 and 2 more transcripts); short protein forms W2188G, W848G, W2184G, W2192G, W2069G, W851G.
Identifiers: ClinVar variation 2091617 (VCV002091617.4), dbSNP rs2534074327, ClinGen allele CA412659549.

ClinVar aggregate classification (germline): Uncertain significance (1 of 4 stars; one submission).

Conditions:
Duchenne muscular dystrophy (DMD). Also called: MUSCULAR DYSTROPHY, PSEUDOHYPERTROPHIC PROGRESSIVE, DUCHENNE TYPE; Duchenne Muscular Dystrophy (DMD). Identifiers: Orphanet 98896, MedGen C0013264, MONDO:0010679, OMIM 310200.

Submission:

Labcorp Genetics (formerly Invitae), Labcorp
Classification: Uncertain significance for Duchenne muscular dystrophy. Last evaluated: 2022-02-01. Review status: criteria provided, single submitter. Criteria: Invitae Variant Classification Sherloc (09022015). Collection method: clinical testing. Allele origin: germline.
Comment: This sequence change replaces tryptophan, which is neutral and slightly polar, with glycine, which is neutral and non-polar, at codon 2192 of the DMD protein (p.Trp2192Gly). This variant has not been reported in the literature in individuals affected with DMD-related conditions. Algorithms developed to predict the effect of missense changes on protein structure and function are either unavailable or do not agree on the potential impact of this missense change (SIFT: "Deleterious"; PolyPhen-2: "Possibly Damaging"; Align-GVGD: "Class C0"). In summary, the available evidence is currently insufficient to determine the role of this variant in disease. Therefore, it has been classified as a Variant of Uncertain Significance. This variant is not present in population databases (gnomAD no frequency).